The following is an entry in ClinVar:

ClinVar aggregate classification (germline): Likely benign (1 of 4 stars; one submission).

gnomAD v4.1: 140 of 1,596,502 alleles (0.0088%); highest among the groups gnomAD compares: East Asian, 0.034%; no homozygotes.

Submission:

CeGaT Center for Human Genetics Tuebingen
Classification: Likely benign. Last evaluated: 2025-12-01. Review status: criteria provided, single submitter. Criteria: CeGaT Center For Human Genetics Tuebingen Variant Classification Criteria Version 2. Collection method: clinical testing. Allele origin: germline. Affected: yes. Observed: 1 variant allele.
Comment: CSNK1G1: BS2

NM_022048.5(CSNK1G1):c.214A>G (p.Ile72Val)

Gene: CSNK1G1 (casein kinase 1 gamma 1; minus strand). Cytogenetic location: 15q22.31.
Variant type: single nucleotide variant.
Coding change: c.214A>G on transcript NM_022048.5 (MANE Select); coding-DNA position 214, A replaced by G.
Protein change: p.Ile72Val; replaces isoleucine 72 with valine.
Molecular consequence: missense variant.
Genome position (GRCh38, 1-based): chr15:64,259,209, T>C on the plus strand (A>G on the coding strand, the complement: CSNK1G1 is on the minus strand). VCF-style: chr15-64259209-T-C. GRCh37 (hg19) VCF-style: chr15-64551408-T-C.
Other names: c.214A>G, p.Ile72Val (NM_001329605.2, NM_001329606.2, NM_001329607.2); short protein forms I72V.
Identifiers: ClinVar variation 4681444 (VCV004681444.5).
Genomic context (GRCh38, chr15:64,259,209, plus strand): 5'-ATAAGCAATGGGAGCACCAAAACATTAATTACCACAAACAGATTCTACTCACCAGTTTGA[T>C]TGCTACATATTCATTGGTGTAGAGATTTTTACCTAAGAGGAAAGCAGAATGTATATGTTT-3'
Protein context (NP_071331.2, residues 62-82): KNLYTNEYVA[Ile72Val]KLEPIKSRAP